The following is an entry in ClinVar:

ClinVar aggregate classification (germline): Benign (0 of 4 stars; one submission).

Conditions:
NFXL1-related disorder. Also called: NFXL1-related condition.

Allele frequency attached by ClinVar (database versions not stated): gnomAD exomes 0.00048; gnomAD 0.00073; TOPMed 0.00104; ExAC 0.00164; 1000 Genomes Project 30x 0.00500; 1000 Genomes Project 0.00539.

Submission:

PreventionGenetics, part of Exact Sciences
Classification: Benign for NFXL1-related condition. Last evaluated: 2019-06-25. Review status: no assertion criteria provided. Collection method: clinical testing. Allele origin: germline.
Comment: This variant is classified as benign based on ACMG/AMP sequence variant interpretation guidelines (Richards et al. 2015 PMID: 25741868, with internal and published modifications).

NM_001278624.2(NFXL1):c.582C>T (p.Asp194=)

Gene: NFXL1 (nuclear transcription factor, X-box binding like 1; minus strand). Cytogenetic location: 4p12.
Variant type: single nucleotide variant.
Coding change: c.582C>T on transcript NM_001278624.2 (MANE Select); coding-DNA position 582, C replaced by T.
Protein change: p.Asp194=; no amino-acid change (aspartic acid 194 retained).
Molecular consequence: synonymous variant. On other transcripts: non-coding transcript variant (1).
Genome position (GRCh38, 1-based): chr4:47,903,258, G>A on the plus strand (C>T on the coding strand, the complement: NFXL1 is on the minus strand). VCF-style: chr4-47903258-G-A. GRCh37 (hg19) VCF-style: chr4-47905275-G-A.
Other names: c.582C>T, p.Asp194= (NM_001278623.1, NM_152995.6).
Identifiers: ClinVar variation 3044900 (VCV003044900.2), dbSNP rs117334808, ClinGen allele CA2910819.